The following is an entry in ClinVar:

NM_016169.4(SUFU):c.98G>A (p.Gly33Glu)

Genes: SUFU (SUFU negative regulator of hedgehog signaling; plus strand), LOC130004614 (ATAC-STARR-seq lymphoblastoid silent region 2764; plus strand). Cytogenetic location: 10q24.32.
Variant type: single nucleotide variant.
Coding change: c.98G>A on transcript NM_016169.4 (MANE Select); coding-DNA position 98, G replaced by A.
Protein change: p.Gly33Glu; replaces glycine 33 with glutamic acid.
Molecular consequence: missense variant.
Genome position (GRCh38, 1-based): chr10:102,504,250, G>A. VCF-style: chr10-102504250-G-A. GRCh37 (hg19) VCF-style: chr10-104264007-G-A.
Other names: c.98G>A, p.Gly33Glu (NM_001178133.2); short protein forms G33E.
Identifiers: ClinVar variation 3451139 (VCV003451139.1).

ClinVar aggregate classification (germline): Uncertain significance (1 of 4 stars; one submission).

Conditions:
Hereditary cancer-predisposing syndrome. Also called: Tumor predisposition; Neoplastic Syndromes, Hereditary; Hereditary neoplastic syndrome; Hereditary Cancer Syndrome. Identifiers: Orphanet 140162, MedGen C0027672, MeSH D009386, MONDO:0015356.

Submission:

Ambry Genetics
Classification: Uncertain significance for Hereditary cancer-predisposing syndrome. Last evaluated: 2024-10-25. Review status: criteria provided, single submitter. Criteria: Ambry Variant Classification Scheme 2023. Collection method: clinical testing. Allele origin: germline.
Comment: The p.G33E variant (also known as c.98G>A), located in coding exon 1 of the SUFU gene, results from a G to A substitution at nucleotide position 98. The glycine at codon 33 is replaced by glutamic acid, an amino acid with similar properties. This amino acid position is highly conserved in available vertebrate species. In addition, this alteration is predicted to be deleterious by in silico analysis. Based on the available evidence, the clinical significance of this variant remains unclear.